The following is an entry in ClinVar:

NM_000059.4(BRCA2):c.4712_4718del (p.Glu1571fs)

Gene: BRCA2 (BRCA2 DNA repair associated; plus strand). Cytogenetic location: 13q13.1.
Variant type: Deletion.
Coding change: c.4712_4718del on transcript NM_000059.4 (MANE Select); coding-DNA positions 4712 to 4718, 7 bases deleted (AGGCCTG; older notation c.4712_4718delAGGCCTG).
Protein change: p.Glu1571fs; shifts the reading frame from glutamic acid 1571.
Molecular consequence: frameshift variant. On other transcripts: non-coding transcript variant (1), intron variant (2).
Genome position (GRCh38, 1-based): chr13:32,339,067-32,339,073, AGGCCTG deleted; deleting any 7 consecutive bases within chr13:32,339,066-32,339,073 gives the same sequence; the c. name uses the placement nearest the transcript's 3' end. VCF-style (leftmost placement, unchanged base first): chr13-32339065-AGAGGCCT-A. GRCh37 (hg19) VCF-style: chr13-32913202-AGAGGCCT-A.
Other names: c.4712_4718del, p.Glu1571fs (NM_001406719.1, NM_001406720.1, NM_001432077.1); c.1910-5491_1910-5485del (NM_001406721.1); c.425-5491_425-5485del (NM_001406722.1); short protein forms E1571fs.
Identifiers: ClinVar variation 4215275 (VCV004215275.1).
Genomic context (GRCh38, chr13:32,339,065, plus strand): 5'-GCAAGGTACTAGTGAAATCACCAGTTTTAGCCATCAATGGGCAAAGACCCTAAAGTACAG[AGAGGCCT>A]GTAAAGACCTTGAATTAGCATGTGAGACCATTGAGATCACAGCTGCCCCAAAGTGTAAAG-3'

ClinVar aggregate classification (germline): Pathogenic (1 of 4 stars; one submission).

Conditions:
Hereditary cancer-predisposing syndrome. Also called: Neoplastic Syndromes, Hereditary; Tumor predisposition; Hereditary Cancer Syndrome; Hereditary neoplastic syndrome. Identifiers: Orphanet 140162, MedGen C0027672, MeSH D009386, MONDO:0015356.

Submission:

Ambry Genetics
Classification: Pathogenic for Hereditary cancer-predisposing syndrome. Last evaluated: 2025-07-08. Review status: criteria provided, single submitter. Criteria: Ambry Variant Classification Scheme 2023. Collection method: clinical testing. Allele origin: germline.
Comment: The c.4712_4718delAGGCCTG pathogenic mutation, located in coding exon 10 of the BRCA2 gene, results from a deletion of 7 nucleotides at nucleotide positions 4712 to 4718, causing a translational frameshift with a predicted alternate stop codon (p.E1571Vfs*6). This variant is considered to be rare based on population cohorts in the Genome Aggregation Database (gnomAD). This alteration is expected to result in loss of function by premature protein truncation or nonsense-mediated mRNA decay. As such, this alteration is interpreted as a disease-causing mutation.